The following is an entry in ClinVar:

NM_000143.4(FH):c.521C>G (p.Pro174Arg)

Gene: FH (fumarate hydratase; minus strand). Cytogenetic location: 1q43.
Variant type: single nucleotide variant.
Coding change: c.521C>G on transcript NM_000143.4 (MANE Select); coding-DNA position 521, C replaced by G.
Protein change: p.Pro174Arg; replaces proline 174 with arginine.
Molecular consequence: missense variant.
Genome position (GRCh38, 1-based): chr1:241,512,001, G>C on the plus strand (C>G on the coding strand, the complement: FH is on the minus strand). VCF-style: chr1-241512001-G-C. GRCh37 (hg19) VCF-style: chr1-241675301-G-C.
Other names: P174R.
Identifiers: ClinVar variation 29705 (VCV000029705.50), dbSNP rs199822819, ClinGen allele CA220381.

ClinVar aggregate classification (germline): Pathogenic/Likely pathogenic. Review status: criteria provided, multiple submitters, no conflicts (2 of 4 stars). 20 submissions from 20 submitters: Pathogenic (12); Likely pathogenic (4). 4 of the submissions do not count toward it. Last evaluated 2026-03-19.

Conditions:
FH-related disorder. Also called: FH-related disorders; FH-related condition.
Hereditary cancer-predisposing syndrome. Also called: Neoplastic Syndromes, Hereditary; Tumor predisposition; Hereditary Cancer Syndrome; Hereditary neoplastic syndrome. Identifiers: Orphanet 140162, MedGen C0027672, MeSH D009386, MONDO:0015356.
Fumarase deficiency (FMRD). Also called: Fumaric aciduria; Fumarate Hydratase Deficiency. Identifiers: Orphanet 24, MedGen C0342770, MONDO:0011730, OMIM 606812.
Hereditary leiomyomatosis and renal cell cancer. Also called: LEIOMYOMA, MULTIPLE CUTANEOUS; MULTIPLE CUTANEOUS AND UTERINE LEIOMYOMATA 1, WITH OR WITHOUT RENAL CELL CARCINOMA; FH tumor predisposition syndrome; Reed syndrome; Multiple cutaneous and uterine leiomyomatosis; Cutaneous leiomyomata with uterine leiomyomata. Identifiers: Orphanet 523, MedGen C1708350, MONDO:0007888, OMIM 150800, HP:0007437. Disease mechanism: loss of function.

Allele frequency attached by ClinVar (database versions not stated): gnomAD 0.00003; gnomAD exomes 0.00002; TOPMed 0.00003; ESP Exome Variant Server 0.00015; ExAC 0.00002.
gnomAD v4.1: 234 of 1,613,826 alleles (0.014%); highest among the groups gnomAD compares: Non-Finnish European, 0.019%; no homozygotes.

Submissions 1 to 7 of 21:

PreventionGenetics, part of Exact Sciences
Classification: Pathogenic for FH-related condition. Last evaluated: 2026-03-19. Review status: criteria provided, single submitter. Criteria: ACMG Guidelines, 2015. Collection method: clinical testing. Allele origin: germline.
Comment: The FH c.521C>G variant is predicted to result in the amino acid substitution p.Pro174Arg. This variant is also referred to as p.Pro131Arg in the literature using legacy nomenclature. This variant has been reported in the compound heterozygous and homozygous states in individuals with autosomal recessive fumarase deficiency and may lead to a mild clinical presentation (Alam et al. 2003. PubMed ID: 12761039; Zeng et al. 2006. PubMed ID: 16575891; Mroch et al. 2012. PubMed ID: 22069215; Kimonis et al. 2012. PubMed ID: 22595425). Parents heterozygous for this variant in the aforementioned studies did not exhibit HLRCC phenotypes. This variant has been reported in a patient with bilateral pheochromocytoma, but the individual also harbored a start loss MAX gene variant (Whitworth et al. 2018. PubMed ID: 29909963). Biochemical testing from this variant leads to increased fumaric acid, and in vitro analysis showed reduced enzyme activity (Zeng et al. 2006. PubMed ID: 16575891; Mroch et al. 2012. PubMed ID: 22069215; Kimonis et al. 2012. PubMed ID: 22595425). This variant is reported in 0.0054% of alleles in individuals of European (non-Finnish) descent in gnomAD and it has been classified as pathogenic/likely pathogenic in ClinVar (Variation ID: 29705). In summary, this variant is interpreted as pathogenic for autosomal recessive fumarase deficiency and as a variant of uncertain significance for leiomyomatosis and renal cell cancer.

Natera, Inc.
Classification: Likely pathogenic for Fumarase Deficiency. Last evaluated: 2026-01-28. Review status: criteria provided, single submitter. Criteria: Natera Variant Classification Schema (03/2026). Collection method: clinical testing. Allele origin: germline.
Comment: The c.521C>G variant in FH is a missense variant predicted to cause substitution of proline to arginine at amino acid 174. This variant is rare in the general population with a frequency below the threshold expected for the associated phenotype(s). This variant has been observed in one or more individuals affected with the associated recessive disease, as either homozygous or compound heterozygous with a second variant (PMID: 16575891, 22069215, 12761039). Additionally, this variant has been observed to segregate in affected family members (PMID: 22069215). Computational prediction algorithms indicate this variant is likely to affect gene or protein function. Given the available evidence, this variant is classified as Likely Pathogenic.

Labcorp Genetics (formerly Invitae), Labcorp
Classification: Pathogenic. Last evaluated: 2026-01-18. Review status: criteria provided, single submitter. Criteria: Invitae Variant Classification Sherloc (09022015). Collection method: clinical testing. Allele origin: germline.
Comment: This sequence change replaces proline, which is neutral and non-polar, with arginine, which is basic and polar, at codon 174 of the FH protein (p.Pro174Arg). This variant is present in population databases (rs199822819, gnomAD 0.006%). This missense change has been observed in individual(s) with autosomal recessive fumarase deficiency (PMID: 12761039, 16575891, 22069215). In at least one individual the data is consistent with being in trans (on the opposite chromosome) from a pathogenic variant. This variant is also known as 392C>G (Pro131Arg). ClinVar contains an entry for this variant (Variation ID: 29705). Invitae Evidence Modeling of protein sequence and biophysical properties (such as structural, functional, and spatial information, amino acid conservation, physicochemical variation, residue mobility, and thermodynamic stability) indicates that this missense variant is expected to disrupt FH protein function with a positive predictive value of 95%. Experimental studies have shown that this missense change affects FH function (PMID: 12761039, 16575891, 22595425). For these reasons, this variant has been classified as Pathogenic.

Ambry Genetics
Classification: Pathogenic for Hereditary cancer-predisposing syndrome. Last evaluated: 2025-07-11. Review status: criteria provided, single submitter. Criteria: Ambry Variant Classification Scheme 2023. Collection method: clinical testing. Allele origin: germline.
Comment: The p.P174R pathogenic mutation (also known as c.521C>G), located in coding exon 4 of the FH gene, results from a C to G substitution at nucleotide position 521. The proline at codon 174 is replaced by arginine, an amino acid with dissimilar properties. This variant was reported in individuals with features consistent with pheochromocytoma and paraganglioma (Ambry internal data). This alteration has also been observed in multiple individuals with fumarate hydratase (FH) deficiency in conjunction with another mutation in trans or in a homozygous state (Alam NA et al. Hum. Mol. Genet. 2003 Jun;12:1241-52; Zeng WQ et al. Am. J. Med. Genet. A. 2006 May;140:1004-9; Mroch AR et al. Am. J. Med. Genet. A. 2012 Jan;158A:155-8; Ryder B et al. JIMD Rep 2018 Oct;40:77-83). In addition, patients with FH deficiency and this alteration have shown reduced enzyme activity (13-36%) relative to controls (Pollard PJ et al. Hum. Mol. Genet. 2005 Aug;14:2231-9; Zeng WQ et al. Am. J. Med. Genet. A. 2006 May;140:1004-9; Kimonis VE et al. Mol. Genet. Metab. 2012 Sep;107:241-2). Of note, this alteration is also designated as p.P131R in published literature. This amino acid position is highly conserved in available vertebrate species. In addition, this alteration is predicted to be deleterious by in silico analysis. Based on the supporting evidence, this alteration is interpreted as a pathogenic mutation in association with pheochromocytoma and paraganglioma (PPGL); however, its association with other features of FH-associated tumor predisposition, including hereditary leiomyomatosis and renal cell carcinoma, is unclear.

Greenwood Genetic Center Diagnostic Laboratories, Greenwood Genetic Center
Classification: Pathogenic for FH-related disorder. Last evaluated: 2024-12-19. Review status: criteria provided, single submitter. Criteria: ACMG Guidelines, 2015. Collection method: clinical testing. Allele origin: germline. Affected: yes.
Comment: PS3, PM2, PM3_Strong

Women's Health and Genetics/Laboratory Corporation of America, LabCorp
Classification: Pathogenic for Fumarase deficiency. Last evaluated: 2024-05-28. Review status: criteria provided, single submitter. Criteria: LabCorp Variant Classification Summary - May 2015. Collection method: clinical testing. Allele origin: germline.
Comment: Variant summary: FH c.521C>G (p.Pro174Arg) results in a non-conservative amino acid change located in the Fumarate lyase, N-terminal domain (IPR022761) of the encoded protein sequence. Five of five in-silico tools predict a damaging effect of the variant on protein function. The variant allele was found at a frequency of 2e-05 in 251304 control chromosomes. c.521C>G has been reported in the literature in multiple bi-allelelic individuals affected with Fumarate Hydratase Deficiency (examples: Alam_2003, Zeng_2006, Kimonis_2012, Mroch_2012, Ryder_2017). These data indicate that the variant is very likely to be associated with disease. The following publications have been ascertained in the context of this evaluation (PMID: 12761039, 29052812, 22595425, 16575891, 22069215). ClinVar contains an entry for this variant (Variation ID: 29705). Based on the evidence outlined above, the variant was classified as pathogenic.

St. Jude Molecular Pathology, St. Jude Children's Research Hospital
Classification: Pathogenic for Fumarase deficiency. Last evaluated: 2024-04-08. Review status: criteria provided, single submitter. Criteria: St. Jude Assertion Criteria 2020. Collection method: clinical testing. Allele origin: germline.
Comment: The FH c.521C>G (p.Pro174Arg) missense change has a maximum subpopulation frequency of 0.0054% in gnomAD v2.1.1. The in silico tool REVEL predicts a deleterious effect on protein function, but to our knowledge these predictions have not been confirmed by functional studies which interrogate this variant alone. This variant has been reported to be in trans with pathogenic variants in FH in individuals affected with autosomal recessive fumarase deficiency (PMID: 12761039, 22069215) and has been reported as homozygous in an individual with mild fumarase deficiency (PMID: 16575891). To our knowledge, this variant has not been reported in individuals with hereditary leiomyomatosis and renal cell cancer (HLRCC) and individuals identified to be heterozygous for this variant did not have a personal or family history of HLRCC (PMID: 12761039, 16575891, 22069215). This variant is also known as c.392C>G (p.Pro131Arg) in the literature. In summary, this variant meets criteria to be classified as pathogenic with respect to autosomal recessive FH deficiency, and of uncertain significance with respect to autosomal dominant HLRCC.